The following is an entry in ClinVar:

NM_001384900.1(SEMA3D):c.2331G>A (p.Thr777=)

Gene: SEMA3D (semaphorin 3D; minus strand). Cytogenetic location: 7q21.11.
Variant type: single nucleotide variant.
Coding change: c.2331G>A on transcript NM_001384900.1 (MANE Select); coding-DNA position 2331, G replaced by A.
Protein change: p.Thr777=; no amino-acid change (threonine 777 retained).
Molecular consequence: synonymous variant.
Genome position (GRCh38, 1-based): chr7:84,999,443, C>T on the plus strand (G>A on the coding strand, the complement: SEMA3D is on the minus strand). VCF-style: chr7-84999443-C-T. GRCh37 (hg19) VCF-style: chr7-84628759-C-T.
Other names: c.2331G>A, p.Thr777= (NM_001384901.1, NM_001384902.1, NM_001384903.1 and 1 more transcripts).
Identifiers: ClinVar variation 734359 (VCV000734359.5), dbSNP rs146665433, ClinGen allele CA4323167.

ClinVar aggregate classification (germline): Likely benign. Review status: criteria provided, single submitter (1 of 4 stars). 2 submissions from 2 submitters: Likely benign (1). 1 of the submissions does not count toward it. Last evaluated 2018-01-12.

Conditions:
SEMA3D-related disorder. Also called: SEMA3D-related condition.

Allele frequency attached by ClinVar (database versions not stated): gnomAD exomes 0.00008 and 0.00014; ExAC 0.00017; gnomAD 0.00038 and 0.00042; TOPMed 0.00041; ESP Exome Variant Server 0.00046; 1000 Genomes Project 0.00060; 1000 Genomes Project 30x 0.00062.
gnomAD v4.1: 181 of 1,612,248 alleles (0.011%); highest among the groups gnomAD compares: African/African-American, 0.1%; no homozygotes.

Submissions (2):

Labcorp Genetics (formerly Invitae), Labcorp
Classification: Likely benign. Last evaluated: 2018-01-12. Review status: criteria provided, single submitter. Criteria: Invitae Variant Classification Sherloc (09022015). Collection method: clinical testing. Allele origin: germline.

PreventionGenetics, part of Exact Sciences
Classification: Likely benign for SEMA3D-related condition. Last evaluated: 2021-06-17. Review status: no assertion criteria provided. Collection method: clinical testing. Allele origin: germline. Not counted in ClinVar's aggregate classification.
Comment: This variant is classified as likely benign based on ACMG/AMP sequence variant interpretation guidelines (Richards et al. 2015 PMID: 25741868, with internal and published modifications).